The following is an entry in ClinVar:

ClinVar aggregate classification (germline): Likely pathogenic (1 of 4 stars; one submission).

Conditions:
Biotin-responsive basal ganglia disease (BTBGD). Also called: Thiamine metabolism dysfunction syndrome type 2; THIAMINE METABOLISM DYSFUNCTION SYNDROME 2 (BIOTIN- AND THIAMINE-RESPONSIVE TYPE); Thiamine metabolism dysfunction syndrome 2 (biotin- or thiamine-responsive encephalopathy type 2); thiamine-responsive encephalopathy; Thiamine Transporter-2 Deficiency. Identifiers: Orphanet 199348, Orphanet 65284, MedGen C1843807, MONDO:0011841, OMIM 607483.

Allele frequency attached by ClinVar (database versions not stated): gnomAD exomes below 0.00001.

Submission:

Labcorp Genetics (formerly Invitae), Labcorp
Classification: Likely pathogenic for Biotin-responsive basal ganglia disease. Last evaluated: 2023-01-06. Review status: criteria provided, single submitter. Criteria: Invitae Variant Classification Sherloc (09022015). Collection method: clinical testing. Allele origin: germline.
Comment: This variant disrupts the p.Gly23 amino acid residue in SLC19A3. Other variant(s) that disrupt this residue have been determined to be pathogenic (PMID: 15871139, 16790503, 23589815, 26657515, 29101630). This suggests that this residue is clinically significant, and that variants that disrupt this residue are likely to be disease-causing. In summary, the currently available evidence indicates that the variant is pathogenic, but additional data are needed to prove that conclusively. Therefore, this variant has been classified as Likely Pathogenic. Advanced modeling of protein sequence and biophysical properties (such as structural, functional, and spatial information, amino acid conservation, physicochemical variation, residue mobility, and thermodynamic stability) performed at Invitae indicates that this missense variant is expected to disrupt SLC19A3 protein function. This variant has not been reported in the literature in individuals affected with SLC19A3-related conditions. This variant is present in population databases (no rsID available, gnomAD 0.0009%). This sequence change replaces glycine, which is neutral and non-polar, with arginine, which is basic and polar, at codon 23 of the SLC19A3 protein (p.Gly23Arg).

Literature cited by the submitters: PubMed 15871139; PubMed 16790503; PubMed 23589815; PubMed 26657515; PubMed 29101630.

NM_025243.4(SLC19A3):c.67G>C (p.Gly23Arg)

Gene: SLC19A3 (solute carrier family 19 member 3; minus strand). Cytogenetic location: 2q36.3.
Variant type: single nucleotide variant.
Coding change: c.67G>C on transcript NM_025243.4 (MANE Select); coding-DNA position 67, G replaced by C.
Protein change: p.Gly23Arg; replaces glycine 23 with arginine.
Molecular consequence: missense variant. On other transcripts: 5 prime UTR variant (2).
Genome position (GRCh38, 1-based): chr2:227,702,252, C>G on the plus strand (G>C on the coding strand, the complement: SLC19A3 is on the minus strand). VCF-style: chr2-227702252-C-G. GRCh37 (hg19) VCF-style: chr2-228566968-C-G.
Other names: c.67G>C, p.Gly23Arg (NM_001371411.1, NM_001371412.1); c.-142G>C (NM_001371413.1, NM_001371414.1); short protein forms G23R.
Identifiers: ClinVar variation 2049089 (VCV002049089.4), dbSNP rs1209312070, ClinGen allele CA350878018.
Genomic context (GRCh38, chr2:227,702,252, plus strand): 5'-CTGGTCCAGATAAATATGGGATAAGGAATGGTTCTGAGGGTCTCATCATGGAGAAAAAAC[C>G]AAATAAGCAGAGGATCACAGTGGGGTAAATCCAGGAACTGCTTAGTGAAGTTCTGTAACA-3'
Protein context (NP_079519.1, residues 13-33): IYPTVILCLF[Gly23Arg]FFSMMRPSEP